The following is an entry in ClinVar:

NM_000629.3(IFNAR1):c.219G>C (p.Trp73Cys)

Gene: IFNAR1 (interferon alpha and beta receptor subunit 1; plus strand). Cytogenetic location: 21q22.11.
Variant type: single nucleotide variant.
Coding change: c.219G>C on transcript NM_000629.3 (MANE Select); coding-DNA position 219, G replaced by C.
Protein change: p.Trp73Cys; replaces tryptophan 73 with cysteine.
Molecular consequence: missense variant. On other transcripts: 5 prime UTR variant (1), intron variant (1).
Genome position (GRCh38, 1-based): chr21:33,341,017, G>C. VCF-style: chr21-33341017-G-C. GRCh37 (hg19) VCF-style: chr21-34713323-G-C.
Other names: c.219G>C, p.Trp73Cys (NM_001384498.1, NM_001384499.1, NM_001384501.1 and 1 more transcripts); c.-568G>C (NM_001384500.1); c.12G>C, p.Trp4Cys (NM_001384504.1); c.-183-61G>C (NM_001384502.1); short protein forms W4C, W73C.
Identifiers: ClinVar variation 1929813 (VCV001929813.4), dbSNP rs181939581, ClinGen allele CA410106483.

ClinVar aggregate classification (germline): Uncertain significance (1 of 4 stars; one submission).

gnomAD v4.1: 1 of 1,609,264 alleles (0.000062%); highest among the groups gnomAD compares: Non-Finnish European, 0.000085%; no homozygotes.

Submission:

Labcorp Genetics (formerly Invitae), Labcorp
Classification: Uncertain significance. Last evaluated: 2022-01-16. Review status: criteria provided, single submitter. Criteria: Invitae Variant Classification Sherloc (09022015). Collection method: clinical testing. Allele origin: germline.
Comment: This sequence change replaces tryptophan, which is neutral and slightly polar, with cysteine, which is neutral and slightly polar, at codon 73 of the IFNAR1 protein (p.Trp73Cys). This variant is present in population databases (no rsID available, gnomAD no frequency). This variant has not been reported in the literature in individuals affected with IFNAR1-related conditions. Algorithms developed to predict the effect of missense changes on protein structure and function (SIFT, PolyPhen-2, Align-GVGD) all suggest that this variant is likely to be disruptive. In summary, the available evidence is currently insufficient to determine the role of this variant in disease. Therefore, it has been classified as a Variant of Uncertain Significance.